The following is an entry in ClinVar:

NM_017871.6(INTS11):c.1761C>T (p.Leu587=)

Gene: INTS11 (integrator complex subunit 11; minus strand). Cytogenetic location: 1p36.33.
Variant type: single nucleotide variant.
Coding change: c.1761C>T on transcript NM_017871.6 (MANE Select); coding-DNA position 1761, C replaced by T.
Protein change: p.Leu587=; no amino-acid change (leucine 587 retained).
Molecular consequence: synonymous variant.
Genome position (GRCh38, 1-based): chr1:1,311,901, G>A on the plus strand (C>T on the coding strand, the complement: INTS11 is on the minus strand). VCF-style: chr1-1311901-G-A. GRCh37 (hg19) VCF-style: chr1-1247281-G-A.
Other names: c.1779C>T, p.Leu593= (NM_001256456.2); c.1674C>T, p.Leu558= (NM_001256460.2); c.1467C>T, p.Leu489= (NM_001256462.2); c.1458C>T, p.Leu486= (NM_001256463.2).
Identifiers: ClinVar variation 4873673 (VCV004873673.2).

ClinVar aggregate classification (germline): Likely benign (1 of 4 stars; one submission).

gnomAD v4.1: 49 of 1,574,260 alleles (0.0031%); highest among the groups gnomAD compares: Admixed American, 0.011%; no homozygotes.

Submission:

CeGaT Center for Human Genetics Tuebingen
Classification: Likely benign. Last evaluated: 2026-04-01. Review status: criteria provided, single submitter. Criteria: CeGaT Center For Human Genetics Tuebingen Variant Classification Criteria Version 2. Collection method: clinical testing. Allele origin: germline. Affected: yes. Observed: 1 variant allele.
Comment: INTS11: BP4, BP7